The following is an entry in ClinVar:

ClinVar aggregate classification (germline): Uncertain significance (1 of 4 stars; one submission).

Conditions:
Neurofibromatosis, type 1 (NF1). Also called: Peripheral type neurofibromatosis; VON RECKLINGHAUSEN DISEASE; NEUROFIBROMATOSIS, TYPE I, SOMATIC; Neurofibromatosis, type I. Identifiers: Orphanet 636, MedGen C0027831, MONDO:0018975, OMIM 162200. Disease mechanism: loss of function.

Submission:

Labcorp Genetics (formerly Invitae), Labcorp
Classification: Uncertain significance for Neurofibromatosis, type 1. Last evaluated: 2022-09-21. Review status: criteria provided, single submitter. Criteria: Invitae Variant Classification Sherloc (09022015). Collection method: clinical testing. Allele origin: germline.
Comment: Advanced modeling of protein sequence and biophysical properties (such as structural, functional, and spatial information, amino acid conservation, physicochemical variation, residue mobility, and thermodynamic stability) performed at Invitae indicates that this missense variant is expected to disrupt NF1 protein function. This sequence change replaces glutamic acid, which is acidic and polar, with valine, which is neutral and non-polar, at codon 1415 of the NF1 protein (p.Glu1415Val). This variant is not present in population databases (gnomAD no frequency). This variant has not been reported in the literature in individuals affected with NF1-related conditions. Algorithms developed to predict the effect of sequence changes on RNA splicing suggest that this variant may create or strengthen a splice site. In summary, the available evidence is currently insufficient to determine the role of this variant in disease. Therefore, it has been classified as a Variant of Uncertain Significance.

NM_001042492.3(NF1):c.4307A>T (p.Glu1436Val)

Gene: NF1 (neurofibromin 1; plus strand). Cytogenetic location: 17q11.2.
Variant type: single nucleotide variant.
Coding change: c.4307A>T on transcript NM_001042492.3 (MANE Select); coding-DNA position 4307, A replaced by T.
Protein change: p.Glu1436Val; replaces glutamic acid 1436 with valine.
Molecular consequence: missense variant.
Genome position (GRCh38, 1-based): chr17:31,258,477, A>T. VCF-style: chr17-31258477-A-T. GRCh37 (hg19) VCF-style: chr17-29585495-A-T.
Other names: c.4244A>T, p.Glu1415Val (NM_000267.4); short protein forms E1415V, E1436V.
Identifiers: ClinVar variation 1719959 (VCV001719959.5), dbSNP rs2151462153, ClinGen allele CA398998091.